The following is an entry in ClinVar:

NM_004360.5(CDH1):c.1732A>G (p.Thr578Ala)

Gene: CDH1 (cadherin 1; plus strand). Cytogenetic location: 16q22.1.
Variant type: single nucleotide variant.
Coding change: c.1732A>G on transcript NM_004360.5 (MANE Select); coding-DNA position 1732, A replaced by G.
Protein change: p.Thr578Ala; replaces threonine 578 with alanine.
Molecular consequence: missense variant. On other transcripts: 5 prime UTR variant (1).
Genome position (GRCh38, 1-based): chr16:68,822,021, A>G. VCF-style: chr16-68822021-A-G. GRCh37 (hg19) VCF-style: chr16-68855924-A-G.
Other names: c.1549A>G, p.Thr517Ala (NM_001317184.2); c.184A>G, p.Thr62Ala (NM_001317185.2); c.-234A>G (NM_001317186.2); short protein forms T62A, T517A, T578A.
Identifiers: ClinVar variation 846409 (VCV000846409.13), dbSNP rs1596963360, ClinGen allele CA396466309.

ClinVar aggregate classification (germline): Uncertain significance. Review status: criteria provided, multiple submitters, no conflicts (2 of 4 stars). 3 submissions from 3 submitters: Uncertain significance (3). Last evaluated 2024-03-20.

Conditions:
Hereditary cancer-predisposing syndrome. Also called: Neoplastic Syndromes, Hereditary; Hereditary neoplastic syndrome; Tumor predisposition; Hereditary Cancer Syndrome. Identifiers: Orphanet 140162, MedGen C0027672, MeSH D009386, MONDO:0015356.
Familial cancer of breast. Also called: hereditary breast carcinoma; BREAST CANCER, FAMILIAL; Hereditary breast cancer. Identifiers: Orphanet 227535, MedGen C0346153, MONDO:0016419, OMIM 114480. Disease mechanism: loss of function.
Hereditary diffuse gastric adenocarcinoma (HDGC). Also called: DIFFUSE GASTRIC AND LOBULAR BREAST CANCER SYNDROME. Identifiers: Orphanet 26106, MedGen C1708349, MONDO:0007648, OMIM 137215.

Submissions (3):

Baylor Genetics
Classification: Uncertain significance for Familial cancer of breast. Last evaluated: 2024-03-20. Review status: criteria provided, single submitter. Criteria: ACMG Guidelines, 2015. Collection method: clinical testing. Allele origin: unknown.

Labcorp Genetics (formerly Invitae), Labcorp
Classification: Uncertain significance for Hereditary diffuse gastric adenocarcinoma. Last evaluated: 2023-12-25. Review status: criteria provided, single submitter. Criteria: Invitae Variant Classification Sherloc (09022015). Collection method: clinical testing. Allele origin: germline.
Comment: This sequence change replaces threonine, which is neutral and polar, with alanine, which is neutral and non-polar, at codon 578 of the CDH1 protein (p.Thr578Ala). This variant is not present in population databases (gnomAD no frequency). This variant has not been reported in the literature in individuals affected with CDH1-related conditions. ClinVar contains an entry for this variant (Variation ID: 846409). An algorithm developed to predict the effect of missense changes on protein structure and function (PolyPhen-2) suggests that this variant is likely to be tolerated. In summary, the available evidence is currently insufficient to determine the role of this variant in disease. Therefore, it has been classified as a Variant of Uncertain Significance.

Ambry Genetics
Classification: Uncertain significance for Hereditary cancer-predisposing syndrome. Last evaluated: 2015-12-21. Review status: criteria provided, single submitter. Criteria: Ambry Variant Classification Scheme 2023. Collection method: clinical testing. Allele origin: germline.
Comment: The p.T578A variant (also known as c.1732A>G), located in coding exon 12 of the CDH1 gene, results from an A to G substitution at nucleotide position 1732. The threonine at codon 578 is replaced by alanine, an amino acid with similar properties. This variant was not reported in population based cohorts in the following databases: Database of Single Nucleotide Polymorphisms (dbSNP), NHLBI Exome Sequencing Project (ESP), and 1000 Genomes Project. In the ESP, this variant was not observed in 6498 samples (12996 alleles) with coverage at this position. To date, this alteration has been detected with an allele frequency of approximately 0.001% (greater than 175000 alleles tested) in our clinical cohort. This amino acid position is highly conserved in available vertebrate species. In addition, the in silico prediction for this alteration is inconclusive. Since supporting evidence for this variant is limited at this time, the clinical significance of p.T578A remains unclear.